The following is an entry in ClinVar:

ClinVar aggregate classification (germline): Pathogenic (1 of 4 stars; one submission).

Conditions:
Retinitis pigmentosa 25 (RP25). Identifiers: Orphanet 791, MedGen C1864446, MONDO:0011272, OMIM 602772.

Submission:

Myriad Genetics, Inc.
Classification: Pathogenic for Retinitis pigmentosa 25. Last evaluated: 2026-05-07. Review status: criteria provided, single submitter. Criteria: Myriad Autosomal Dominant, Autosomal Recessive and X-Linked Classification Criteria (2023). Collection method: clinical testing. Allele origin: unknown.
Comment: NM_001142800.1(EYS):c.9218_9223del6ins1(H3073Lfs*8) is a frameshift variant classified as pathogenic in the context of retinitis pigmentosa, EYS-related. H3073Lfs*8 has not been observed in cases with relevant disease. Relevant functional assessments of this variant are not available in the literature. H3073Lfs*8 has not been observed in referenced population frequency databases. In summary, NM_001142800.1(EYS):c.9218_9223del6ins1(H3073Lfs*8) is a frameshift variant in a gene where loss of function is a known mechanism of disease and is predicted to disrupt protein function. Please note: this variant was assessed in the context of healthy population screening.

NM_001142800.2(EYS):c.9218_9223delinsT (p.His3073fs)

Genes: EYS (EGF-like photoreceptor maintenance factor; minus strand), PHF3 (PHD finger protein 3; plus strand). Cytogenetic location: 6q12.
Variant type: Indel.
Coding change: c.9218_9223delinsT on transcript NM_001142800.2 (MANE Select); coding-DNA positions 9218 to 9223, ATAAAA replaced by T.
Protein change: p.His3073fs; shifts the reading frame from histidine 3073.
Molecular consequence: frameshift variant. On other transcripts: 3 prime UTR variant (5).
Genome position (GRCh38, 1-based): chr6:63,720,808-63,720,813, TTTTAT replaced by A on the plus strand (ATAAAA replaced by T on the coding strand, the reverse complement: EYS is on the minus strand). VCF-style: chr6-63720808-TTTTAT-A. GRCh37 (hg19) VCF-style: chr6-64430704-TTTTAT-A.
Other names: c.*7100_*7105delinsA (NM_001290259.2, NM_001370348.2, NM_001370349.2 and 2 more transcripts); c.9281_9286delinsT, p.His3094fs (NM_001292009.2); short protein forms H3073fs, H3094fs.
Identifiers: ClinVar variation 5004654 (VCV005004654.1).
Genomic context (GRCh38, chr6:63,720,808, plus strand): 5'-TTCTACCATATTCAAAGCCCCCTAGATAACAAATGCCATCATAGTTTAGAGCCACAAAGT[TTTTAT>A]GTGGATCAATATCCTCGGAAAGAATTAGACTGTTATTTATGTAGGCCTTGATAAGAGTCT-3'